The following is an entry in ClinVar:

ClinVar aggregate classification (germline): Conflicting classifications of pathogenicity. Review status: criteria provided, conflicting classifications (1 of 4 stars). 2 submissions from 2 submitters: Uncertain significance (1); Likely benign (1). Last evaluated 2023-04-01.

Conditions:
Autosomal dominant limb-girdle muscular dystrophy type 1D (DNAJB6) (LGMDD1). Also called: MUSCULAR DYSTROPHY, LIMB-GIRDLE, TYPE 1D; MUSCULAR DYSTROPHY, AUTOSOMAL DOMINANT, WITH RIMMED VACUOLES; Autosomal dominant limb-girdle muscular dystrophy type 1D; Muscular dystrophy, limb-girdle, autosomal dominant 1. Identifiers: Orphanet 34516, MedGen C4721885, MONDO:0021018, OMIM 603511.

Allele frequency attached by ClinVar (database versions not stated): TOPMed 0.00031; gnomAD 0.00061 and 0.00063.

Submissions (2):

CeGaT Center for Human Genetics Tuebingen
Classification: Likely benign. Last evaluated: 2023-04-01. Review status: criteria provided, single submitter. Criteria: CeGaT Center For Human Genetics Tuebingen Variant Classification Criteria Version 2. Collection method: clinical testing. Allele origin: germline. Affected: yes. Observed: 2 variant alleles.
Comment: DNAJB6: BS1

Illumina Laboratory Services, Illumina
Classification: Uncertain significance for Autosomal dominant limb-girdle muscular dystrophy type 1D (DNAJB6). Last evaluated: 2018-01-12. Review status: criteria provided, single submitter. Criteria: ICSL Variant Classification Criteria 13 December 2019. Collection method: clinical testing. Allele origin: germline.

NM_058246.4(DNAJB6):c.*610C>T

Gene: DNAJB6 (DnaJ heat shock protein family (Hsp40) member B6; plus strand). Cytogenetic location: 7q36.3.
Variant type: single nucleotide variant.
Coding change: c.*610C>T on transcript NM_058246.4 (MANE Select); 610 bases downstream of the stop codon, C replaced by T.
Molecular consequence: 3 prime UTR variant.
Genome position (GRCh38, 1-based): chr7:157,416,708, C>T. VCF-style: chr7-157416708-C-T. GRCh37 (hg19) VCF-style: chr7-157209402-C-T.
Other names: c.*610C>T (NM_001363676.1).
Identifiers: ClinVar variation 359470 (VCV000359470.33), dbSNP rs886062134, ClinGen allele CA10625617.
Genomic context (GRCh38, chr7:157,416,708, plus strand): 5'-ATCATTCCTTCTGTTTACTCTTTTAATTTTCATCCTTTGCAGGTAGTGCAAATTCAACTT[C>T]AAATATGGTGTAGGTTTTGCTAGATTCCATATTTTTTTCTTGGATTTTTGCTAATTATTT-3'